The following is an entry in ClinVar:

NM_001164508.2(NEB):c.9360_9363delinsCCC (p.Asp3122fs)

Gene: NEB (nebulin; minus strand). Cytogenetic location: 2q23.3.
Variant type: Indel.
Coding change: c.9360_9363delinsCCC on transcript NM_001164508.2 (MANE Select); coding-DNA positions 9360 to 9363, GCCT replaced by CCC.
Protein change: p.Asp3122fs; shifts the reading frame from aspartic acid 3122.
Molecular consequence: frameshift variant. On other transcripts: intron variant (1).
Genome position (GRCh38, 1-based): chr2:151,633,705-151,633,708, AGGC replaced by GGG on the plus strand (GCCT replaced by CCC on the coding strand, the reverse complement: NEB is on the minus strand). VCF-style: chr2-151633705-AGGC-GGG. GRCh37 (hg19) VCF-style: chr2-152490219-AGGC-GGG.
Other names: c.9360_9363delinsCCC, p.Asp3122fs (NM_001164507.2, NM_001271208.2); c.9360_9363delGCCTinsCCC, p.Asp3122Thrfs (NM_001271208.1); c.8854-2530_8854-2527delinsCCC (NM_004543.5); short protein forms D3122fs.
Identifiers: ClinVar variation 4814798 (VCV004814798.1).

ClinVar aggregate classification (germline): Likely pathogenic (1 of 4 stars; one submission).

Conditions:
Nemaline myopathy 2 (NEM2). Also called: Nemaline myopathy 2, autosomal recessive. Identifiers: MedGen C1850569, MONDO:0009725, OMIM 256030.

Submission:

Natera, Inc.
Classification: Likely pathogenic for Nemaline myopathy type 2. Last evaluated: 2024-06-06. Review status: criteria provided, single submitter. Criteria: Natera Variant Classification Schema (03/2026). Collection method: clinical testing. Allele origin: germline.
Comment: The c.9360_9363delinsCCC variant in NEB is a frameshift variant predicted to shift the reading frame beginning at codon 3122 and leads to a stop codon 27 codons downstream. This variant is expected to result in nonsense mediated decay, truncation, or a dysfunctional protein product. This variant is rare in the general population with a frequency below the threshold expected for the associated phenotype(s). Given the available evidence, this variant is classified as Likely Pathogenic.